The following is an entry in ClinVar:

NM_001126108.2(SLC12A3):c.1702del (p.Trp568fs)

Gene: SLC12A3 (solute carrier family 12 member 3; plus strand). Cytogenetic location: 16q13.
Variant type: Deletion.
Coding change: c.1702del on transcript NM_001126108.2 (MANE Select); coding-DNA position 1702, one base deleted (T; older notation c.1702delT).
Protein change: p.Trp568fs; shifts the reading frame from tryptophan 568.
Molecular consequence: frameshift variant.
Genome position (GRCh38, 1-based): chr16:56,884,081, T deleted. VCF-style (leftmost placement, unchanged base first): chr16-56884080-GT-G. GRCh37 (hg19) VCF-style: chr16-56917992-GT-G.
Other names: c.1702del, p.Trp568fs (NM_000339.3); c.1699del, p.Trp567fs (NM_001126107.2); c.1699delT, p.Trp567Glyfs (NM_001410896.1); short protein forms W567fs, W568fs.
Identifiers: ClinVar variation 1709256 (VCV001709256.2), dbSNP rs2543515349, ClinGen allele CA2580091700.

ClinVar aggregate classification (germline): Likely pathogenic (1 of 4 stars; one submission).

Conditions:
Familial hypokalemia-hypomagnesemia (GTLMNS). Also called: gitelman syndrome; HYPOMAGNESEMIA-HYPOKALEMIA, PRIMARY RENOTUBULAR, WITH HYPOCALCIURIA; POTASSIUM AND MAGNESIUM DEPLETION. Identifiers: Orphanet 358, MedGen C0268450, MONDO:0009904, OMIM 263800.

Submission:

MGZ Medical Genetics Center
Classification: Likely pathogenic for Familial hypokalemia-hypomagnesemia. Last evaluated: 2022-02-23. Review status: criteria provided, single submitter. Criteria: ACMG Guidelines, 2015. Collection method: clinical testing. Allele origin: germline. Affected: yes. Observed: 1 variant allele.
Comment: ACMG criteria applied: PVS1, PM2_SUP